The following is an entry in ClinVar:

NM_004795.4(KL):c.*1286A>G

Gene: KL (klotho; plus strand). Cytogenetic location: 13q13.1.
Variant type: single nucleotide variant.
Coding change: c.*1286A>G on transcript NM_004795.4 (MANE Select); 1286 bases downstream of the stop codon, A replaced by G.
Molecular consequence: 3 prime UTR variant.
Genome position (GRCh38, 1-based): chr13:33,065,472, A>G. VCF-style: chr13-33065472-A-G. GRCh37 (hg19) VCF-style: chr13-33639609-A-G.
Identifiers: ClinVar variation 311724 (VCV000311724.5), dbSNP rs41292181, ClinGen allele CA10643206.
Genomic context (GRCh38, chr13:33,065,472, plus strand): 5'-AGTCTTGCTGATTTTCAGACAGGGAAGTCTCTCTATTACACTGGAGCTGTTTTATAGATA[A>G]GTCAATATTGTATCAGGCAAGATAAACCAATGTCATAACAGGCATTGCCAACCTCACTGA-3'

ClinVar aggregate classification (germline): Benign (1 of 4 stars; one submission).

Conditions:
Tumoral calcinosis, hyperphosphatemic, familial, 3. Identifiers: MedGen C4693864, MONDO:0060715, OMIM 617994.

Allele frequency attached by ClinVar (database versions not stated): 1000 Genomes Project 30x 0.01124; 1000 Genomes Project 0.01258; TOPMed 0.02180; gnomAD 0.02371 and 0.02431; gnomAD exomes 0.02721.
gnomAD v4.1: 4,717 of 192,646 alleles (2.4%); highest among the groups gnomAD compares: Non-Finnish European, 3.7%; 90 homozygotes.

Submission:

Illumina Laboratory Services, Illumina
Classification: Benign for Tumoral calcinosis, hyperphosphatemic, familial, 3. Last evaluated: 2018-01-13. Review status: criteria provided, single submitter. Criteria: ICSL Variant Classification Criteria 13 December 2019. Collection method: clinical testing. Allele origin: germline.
Comment: This variant was observed in the ICSL laboratory as part of a predisposition screen in an ostensibly healthy population. It had not been previously curated by ICSL or reported in the Human Gene Mutation Database (HGMD: prior to June 1st, 2018), and was therefore a candidate for classification through an automated scoring system. Utilizing variant allele frequency, disease prevalence and penetrance estimates, and inheritance mode, an automated score was calculated to assess if this variant is too frequent to cause the disease. Based on the score and internal cut-off values, a variant classified as benign is not then subjected to further curation. The score for this variant resulted in a classification of benign for this disease.